The following is an entry in ClinVar:

ClinVar aggregate classification (germline): Uncertain significance (1 of 4 stars; one submission).

Conditions:
Maple syrup urine disease, mild variant (MSUDMV). Identifiers: Orphanet 511, MedGen C3554575, MONDO:0014057, OMIM 615135.

Allele frequency attached by ClinVar (database versions not stated): gnomAD exomes below 0.00001; gnomAD 0.00002; TOPMed 0.00002.

Submission:

Labcorp Genetics (formerly Invitae), Labcorp
Classification: Uncertain significance for Maple syrup urine disease, mild variant. Last evaluated: 2022-08-16. Review status: criteria provided, single submitter. Criteria: Invitae Variant Classification Sherloc (09022015). Collection method: clinical testing. Allele origin: germline.
Comment: Algorithms developed to predict the effect of missense changes on protein structure and function are either unavailable or do not agree on the potential impact of this missense change (SIFT: "Deleterious"; PolyPhen-2: "Benign"; Align-GVGD: "Class C15"). This sequence change replaces histidine, which is basic and polar, with tyrosine, which is neutral and polar, at codon 253 of the PPM1K protein (p.His253Tyr). This variant is not present in population databases (gnomAD no frequency). This variant has not been reported in the literature in individuals affected with PPM1K-related conditions. In summary, the available evidence is currently insufficient to determine the role of this variant in disease. Therefore, it has been classified as a Variant of Uncertain Significance.

NM_152542.5(PPM1K):c.757C>T (p.His253Tyr)

Gene: PPM1K (protein phosphatase, Mg2+/Mn2+ dependent 1K; minus strand). Cytogenetic location: 4q22.1.
Variant type: single nucleotide variant.
Coding change: c.757C>T on transcript NM_152542.5 (MANE Select); coding-DNA position 757, C replaced by T.
Protein change: p.His253Tyr; replaces histidine 253 with tyrosine.
Molecular consequence: missense variant.
Genome position (GRCh38, 1-based): chr4:88,268,285, G>A on the plus strand (C>T on the coding strand, the complement: PPM1K is on the minus strand). VCF-style: chr4-88268285-G-A. GRCh37 (hg19) VCF-style: chr4-89189437-G-A.
Other names: short protein forms H253Y.
Identifiers: ClinVar variation 2193259 (VCV002193259.4), dbSNP rs1238238083, ClinGen allele CA357706193.